The following is an entry in ClinVar:

ClinVar aggregate classification (germline): Uncertain significance (1 of 4 stars; one submission).

Allele frequency attached by ClinVar (database versions not stated): TOPMed below 0.00001; gnomAD 0.00001.
gnomAD v4.1: 29 of 1,481,270 alleles (0.002%); highest among the groups gnomAD compares: Non-Finnish European, 0.0024%; no homozygotes.

Submission:

Labcorp Genetics (formerly Invitae), Labcorp
Classification: Uncertain significance. Last evaluated: 2025-04-22. Review status: criteria provided, single submitter. Criteria: Invitae Variant Classification Sherloc (09022015). Collection method: clinical testing. Allele origin: germline.
Comment: This sequence change replaces alanine, which is neutral and non-polar, with valine, which is neutral and non-polar, at codon 14 of the POLD2 protein (p.Ala14Val). This variant is present in population databases (no rsID available, gnomAD 0.007%). This variant has not been reported in the literature in individuals affected with POLD2-related conditions. ClinVar contains an entry for this variant (Variation ID: 2881439). An algorithm developed to predict the effect of missense changes on protein structure and function outputs the following: PolyPhen-2: "Not Available". The valine amino acid residue is found in multiple mammalian species, which suggests that this missense change does not adversely affect protein function. In summary, the available evidence is currently insufficient to determine the role of this variant in disease. Therefore, it has been classified as a Variant of Uncertain Significance.

NM_006230.4(POLD2):c.-65C>T

Gene: POLD2 (DNA polymerase delta 2, accessory subunit; minus strand). Cytogenetic location: 7p13.
Variant type: single nucleotide variant.
Coding change: c.-65C>T on transcript NM_006230.4 (MANE Select); 65 bases upstream of the start codon, C replaced by T.
Molecular consequence: 5 prime UTR variant.
Genome position (GRCh38, 1-based): chr7:44,123,519, G>A on the plus strand (C>T on the coding strand, the complement: POLD2 is on the minus strand). VCF-style: chr7-44123519-G-A. GRCh37 (hg19) VCF-style: chr7-44163118-G-A.
Other names: c.-238C>T (NM_001127218.3); c.-661C>T (NM_001256879.2).
Identifiers: ClinVar variation 2881439 (VCV002881439.3), dbSNP rs1416192553, ClinGen allele CA367388643.